The following is an entry in ClinVar:

ClinVar aggregate classification (germline): Likely pathogenic (1 of 4 stars; one submission).

Conditions:
Deficiency of alpha-mannosidase (MANSA). Also called: Alpha-Mannosidosis; Mannosidosis, alpha-, types I and II; LYSOSOMAL ALPHA-D-MANNOSIDASE DEFICIENCY. Identifiers: Orphanet 61, MedGen C0024748, MONDO:0009561, OMIM 248500.

Submission:

Natera, Inc.
Classification: Likely pathogenic for Alpha-mannosidosis. Last evaluated: 2025-01-23. Review status: criteria provided, single submitter. Criteria: Natera Variant Classification Schema (03/2026). Collection method: clinical testing. Allele origin: germline.
Comment: The c.2944_2947delCCGT variant in MAN2B1 is a frameshift variant predicted to elongate the protein beyond the termination codon. This variant is expected to result in nonsense mediated decay, truncation, or a dysfunctional protein product. This variant is rare in the general population with a frequency below the threshold expected for the associated phenotype(s). This variant has been observed in one or more individuals affected with the associated recessive disease, as either homozygous or compound heterozygous with a second variant (PMID: 31241255, 26048034). Given the available evidence, this variant is classified as Likely Pathogenic.

Literature cited by the submitters: PubMed 31241255; PubMed 26048034.

NM_000528.4(MAN2B1):c.2944_2947del (p.Pro982fs)

Gene: MAN2B1 (mannosidase alpha class 2B member 1; minus strand). Cytogenetic location: 19p13.13.
Variant type: Deletion.
Coding change: c.2944_2947del on transcript NM_000528.4 (MANE Select); coding-DNA positions 2944 to 2947, 4 bases deleted (CCGT; older notation c.2944_2947delCCGT).
Protein change: p.Pro982fs; shifts the reading frame from proline 982.
Molecular consequence: frameshift variant.
Genome position (GRCh38, 1-based): chr19:12,646,709-12,646,712, ACGG deleted on the plus strand (CCGT on the coding strand, the reverse complement: MAN2B1 is on the minus strand); deleting any 4 consecutive bases within chr19:12,646,709-12,646,713 gives the same sequence; the c. name uses the placement nearest the transcript's 3' end. VCF-style (leftmost placement, unchanged base first): chr19-12646708-TACGG-T. GRCh37 (hg19) VCF-style: chr19-12757522-TACGG-T.
Other names: c.2941_2944del, p.Pro981fs (NM_001173498.2); c.2947_2950del, p.Pro983fs (NM_001440570.1); short protein forms P981fs, P982fs, P983fs.
Identifiers: ClinVar variation 4814315 (VCV004814315.1).